The following is an entry in ClinVar:

ClinVar aggregate classification (germline): Uncertain significance (1 of 4 stars; one submission).

Submission:

Labcorp Genetics (formerly Invitae), Labcorp
Classification: Uncertain significance. Last evaluated: 2022-03-19. Review status: criteria provided, single submitter. Criteria: Invitae Variant Classification Sherloc (09022015). Collection method: clinical testing. Allele origin: germline.
Comment: In summary, the available evidence is currently insufficient to determine the role of this variant in disease. Therefore, it has been classified as a Variant of Uncertain Significance. Algorithms developed to predict the effect of missense changes on protein structure and function are either unavailable or do not agree on the potential impact of this missense change (SIFT: "Deleterious"; PolyPhen-2: "Possibly Damaging"; Align-GVGD: "Class C0"). This variant has not been reported in the literature in individuals affected with SCN3A-related conditions. This variant is not present in population databases (gnomAD no frequency). This sequence change replaces glutamic acid, which is acidic and polar, with alanine, which is neutral and non-polar, at codon 1863 of the SCN3A protein (p.Glu1863Ala).

NM_006922.4(SCN3A):c.5588A>C (p.Glu1863Ala)

Gene: SCN3A (sodium voltage-gated channel alpha subunit 3; minus strand). Cytogenetic location: 2q24.3.
Variant type: single nucleotide variant.
Coding change: c.5588A>C on transcript NM_006922.4 (MANE Select); coding-DNA position 5588, A replaced by C.
Protein change: p.Glu1863Ala; replaces glutamic acid 1863 with alanine.
Molecular consequence: missense variant.
Genome position (GRCh38, 1-based): chr2:165,090,565, T>G on the plus strand (A>C on the coding strand, the complement: SCN3A is on the minus strand). VCF-style: chr2-165090565-T-G. GRCh37 (hg19) VCF-style: chr2-165947075-T-G.
Other names: c.5441A>C, p.Glu1814Ala (NM_001081676.2, NM_001081677.2); short protein forms E1863A, E1814A.
Identifiers: ClinVar variation 1376200 (VCV001376200.6), dbSNP rs2105618320, ClinGen allele CA349011170.